The following is an entry in ClinVar:

NM_001807.6(CEL):c.2031G>C (p.Gly677=)

Gene: CEL (carboxyl ester lipase; plus strand). Cytogenetic location: 9q34.13.
Variant type: single nucleotide variant.
Coding change: c.2031G>C on transcript NM_001807.6 (MANE Select); coding-DNA position 2031, G replaced by C.
Protein change: p.Gly677=; no amino-acid change (glycine 677 retained).
Molecular consequence: synonymous variant.
Genome position (GRCh38, 1-based): chr9:133,071,533, G>C. VCF-style: chr9-133071533-G-C. GRCh37 (hg19) VCF-style: chr9-135946920-G-C.
Identifiers: ClinVar variation 2659681 (VCV002659681.25), dbSNP rs1167531743, ClinGen allele CA467814495.

ClinVar aggregate classification (germline): Likely benign. Review status: criteria provided, multiple submitters, no conflicts (2 of 4 stars). 2 submissions from 2 submitters: Likely benign (2). Last evaluated 2024-11-01.

Allele frequency attached by ClinVar (database versions not stated): gnomAD 0.00004.

Submissions (2):

CeGaT Center for Human Genetics Tuebingen
Classification: Likely benign. Last evaluated: 2024-11-01. Review status: criteria provided, single submitter. Criteria: CeGaT Center For Human Genetics Tuebingen Variant Classification Criteria Version 2. Collection method: clinical testing. Allele origin: germline. Affected: yes. Observed: 2 variant alleles.
Comment: CEL: BP4, BP7

Blueprint Genetics
Classification: Likely benign. Last evaluated: 2023-04-24. Review status: criteria provided, single submitter. Criteria: ACMG Guidelines, 2015. Collection method: clinical testing. Allele origin: germline.